The following is an entry in ClinVar:

ClinVar aggregate classification (germline): Uncertain significance. Review status: criteria provided, multiple submitters, no conflicts (2 of 4 stars). 3 submissions from 3 submitters: Uncertain significance (3). Last evaluated 2025-12-16.

Conditions:
Hereditary cancer-predisposing syndrome. Also called: Tumor predisposition; Hereditary neoplastic syndrome; Neoplastic Syndromes, Hereditary; Hereditary Cancer Syndrome. Identifiers: Orphanet 140162, MedGen C0027672, MeSH D009386, MONDO:0015356.
Ataxia-telangiectasia syndrome (AT). Also called: Ataxia-telangiectasia, complementation group D; AT, COMPLEMENTATION GROUP C; ATAXIA-TELANGIECTASIA, COMPLEMENTATION GROUP A; ATAXIA-TELANGIECTASIA, FRESNO VARIANT; Ataxia-telangiectasia; LOUIS-BAR SYNDROME. Identifiers: Orphanet 100, MedGen C0004135, MONDO:0008840, OMIM 208900.

Allele frequency attached by ClinVar (database versions not stated): gnomAD exomes below 0.00001.

Submissions (3):

Color Diagnostics, LLC DBA Color Health
Classification: Uncertain significance for Hereditary cancer-predisposing syndrome. Last evaluated: 2025-12-16. Review status: criteria provided, single submitter. Criteria: ACMG Guidelines, 2015. Collection method: clinical testing. Allele origin: germline.
Comment: This missense variant replaces glutamic acid with lysine at codon 2164 of the ATM protein. Computational prediction suggests that this variant may have deleterious impact on protein structure and function. To our knowledge, functional studies have not been reported for this variant. This variant has not been reported in individuals affected with ATM-related disorders in the literature. This variant has not been identified in the general population by the Genome Aggregation Database (gnomAD). The available evidence is insufficient to determine the role of this variant in disease conclusively. Therefore, this variant is classified as a Variant of Uncertain Significance.

Labcorp Genetics (formerly Invitae), Labcorp
Classification: Uncertain significance for Ataxia-telangiectasia syndrome. Last evaluated: 2025-08-18. Review status: criteria provided, single submitter. Criteria: Invitae Variant Classification Sherloc (09022015). Collection method: clinical testing. Allele origin: germline.
Comment: This sequence change replaces glutamic acid, which is acidic and polar, with lysine, which is basic and polar, at codon 2164 of the ATM protein (p.Glu2164Lys). This variant is present in population databases (no rsID available, gnomAD 0.0009%). This variant has not been reported in the literature in individuals affected with ATM-related conditions. ClinVar contains an entry for this variant (Variation ID: 631373). Invitae Evidence Modeling of protein sequence and biophysical properties (such as structural, functional, and spatial information, amino acid conservation, physicochemical variation, residue mobility, and thermodynamic stability) has been performed for this missense variant. However, the output from this modeling did not meet the statistical confidence thresholds required to predict the impact of this variant on ATM protein function. In summary, the available evidence is currently insufficient to determine the role of this variant in disease. Therefore, it has been classified as a Variant of Uncertain Significance.

Ambry Genetics
Classification: Uncertain significance for Hereditary cancer-predisposing syndrome. Last evaluated: 2024-05-03. Review status: criteria provided, single submitter. Criteria: Ambry Variant Classification Scheme 2023. Collection method: clinical testing. Allele origin: germline.
Comment: The p.E2164K variant (also known as c.6490G>A), located in coding exon 44 of the ATM gene, results from a G to A substitution at nucleotide position 6490. The glutamic acid at codon 2164 is replaced by lysine, an amino acid with similar properties. This amino acid position is highly conserved in available vertebrate species. In addition, this alteration is predicted to be deleterious by in silico analysis. Based on the available evidence, the clinical significance of this variant remains unclear.

NM_000051.4(ATM):c.6490G>A (p.Glu2164Lys)

Genes: ATM (ATM serine/threonine kinase; plus strand), C11orf65 (chromosome 11 open reading frame 65; minus strand). Cytogenetic location: 11q22.3.
Variant type: single nucleotide variant.
Coding change: c.6490G>A on transcript NM_000051.4 (MANE Select); coding-DNA position 6490, G replaced by A.
Protein change: p.Glu2164Lys; replaces glutamic acid 2164 with lysine.
Molecular consequence: missense variant. On other transcripts: intron variant (2).
Genome position (GRCh38, 1-based): chr11:108,321,338, G>A. VCF-style: chr11-108321338-G-A. GRCh37 (hg19) VCF-style: chr11-108192065-G-A.
Other names: c.6490G>A, p.Glu2164Lys (NM_001351834.2); c.641-12267C>T (NM_001330368.2); c.*39-12267C>T (NM_001351110.2); short protein forms E2164K.
Identifiers: ClinVar variation 631373 (VCV000631373.15), dbSNP rs1317619286, ClinGen allele CA382554015.